The following is an entry in ClinVar:

NM_001165963.4(SCN1A):c.1777dup (p.Asp593fs)

Gene: SCN1A (sodium voltage-gated channel alpha subunit 1; minus strand). Cytogenetic location: 2q24.3.
Variant type: Duplication.
Coding change: c.1777dup on transcript NM_001165963.4 (MANE Select); coding-DNA position 1777, one base duplicated (G; older notation c.1777dupG).
Protein change: p.Asp593fs; shifts the reading frame from aspartic acid 593.
Molecular consequence: frameshift variant. On other transcripts: 5 prime UTR variant (1), non-coding transcript variant (1).
Genome position (GRCh38, 1-based): chr2:166,043,935, C duplicated on the plus strand (G on the coding strand, the reverse complement: SCN1A is on the minus strand). VCF-style (leftmost placement, unchanged base first): chr2-166043934-T-TC. GRCh37 (hg19) VCF-style: chr2-166900444-T-TC.
Other names: c.1777dup, p.Asp593fs (NM_001353951.2, NM_001353952.2, NM_001353957.2 and 7 more transcripts); c.1774dup, p.Asp592fs (NM_001353954.2, NM_001353955.2, NM_001353960.2); c.-649dup (NM_001353961.2); short protein forms D592fs, D593fs.
Identifiers: ClinVar variation 3649913 (VCV003649913.2).
Genomic context (GRCh38, chr2:166,043,934, plus strand): 5'-CGTCGGGGCACAAACAAGGAATCTCTACGGCTCTCGTTATCCTCAAAGGTGCTGTGCTCA[T>TC]CATCTGCGAAGTCGTTCTCAGATCCCACATCCTTTGCTCGCCCTCTAAAGCTGAAAAGGC-3'

ClinVar aggregate classification (germline): Pathogenic (1 of 4 stars; one submission).

Conditions:
Early-infantile DEE. Also called: Early infantile epileptic encephalopathy; Ohtahara syndrome; Early infantile epileptic encephalopathy with suppression bursts. Identifiers: Orphanet 1934, MedGen C0393706, MONDO:0800491.

Submission:

Labcorp Genetics (formerly Invitae), Labcorp
Classification: Pathogenic for Early-infantile DEE. Last evaluated: 2024-04-15. Review status: criteria provided, single submitter. Criteria: Invitae Variant Classification Sherloc (09022015). Collection method: clinical testing. Allele origin: germline.
Comment: This sequence change creates a premature translational stop signal (p.Asp593Glyfs*2) in the SCN1A gene. It is expected to result in an absent or disrupted protein product. Loss-of-function variants in SCN1A are known to be pathogenic (PMID: 17347258, 18930999). This variant is not present in population databases (gnomAD no frequency). This variant has not been reported in the literature in individuals affected with SCN1A-related conditions. For these reasons, this variant has been classified as Pathogenic.

Literature cited by the submitters: PubMed 17347258; PubMed 18930999.